The following is an entry in ClinVar:

ClinVar aggregate classification (germline): Conflicting classifications of pathogenicity. Review status: criteria provided, conflicting classifications (1 of 4 stars). 6 submissions from 6 submitters: Uncertain significance (4); Likely benign (1). 1 of the submissions does not count toward it. Last evaluated 2025-01-19.

Conditions:
Familial cancer of breast. Also called: hereditary breast carcinoma; BREAST CANCER, FAMILIAL; Hereditary breast cancer. Identifiers: Orphanet 227535, MedGen C0346153, MONDO:0016419, OMIM 114480. Disease mechanism: loss of function.
Hereditary cancer-predisposing syndrome. Also called: Tumor predisposition; Hereditary Cancer Syndrome; Hereditary neoplastic syndrome; Neoplastic Syndromes, Hereditary. Identifiers: Orphanet 140162, MedGen C0027672, MeSH D009386, MONDO:0015356.
Ataxia-telangiectasia syndrome (AT). Also called: Ataxia telangiectasia (A-T); LOUIS-BAR SYNDROME; Cerebello-oculocutaneous telangiectasia; Immunodeficiency with ataxia telangiectasia; ATAXIA-TELANGIECTASIA, COMPLEMENTATION GROUP A; ATAXIA-TELANGIECTASIA, FRESNO VARIANT. Identifiers: Orphanet 100, MedGen C0004135, MONDO:0008840, OMIM 208900.

Allele frequency attached by ClinVar (database versions not stated): gnomAD exomes below 0.00001; ExAC 0.00001; gnomAD 0.00001.
gnomAD v4.1: 7 of 1,613,800 alleles (0.00043%); highest among the groups gnomAD compares: East Asian, 0.0045%; no homozygotes.

Submissions (6):

Labcorp Genetics (formerly Invitae), Labcorp
Classification: Uncertain significance for Ataxia-telangiectasia syndrome. Last evaluated: 2025-01-19. Review status: criteria provided, single submitter. Criteria: Invitae Variant Classification Sherloc (09022015). Collection method: clinical testing. Allele origin: germline.
Comment: This sequence change replaces arginine, which is basic and polar, with histidine, which is basic and polar, at codon 692 of the ATM protein (p.Arg692His). This variant is not present in population databases (gnomAD no frequency). This variant has not been reported in the literature in individuals affected with ATM-related conditions. ClinVar contains an entry for this variant (Variation ID: 236682). Invitae Evidence Modeling of protein sequence and biophysical properties (such as structural, functional, and spatial information, amino acid conservation, physicochemical variation, residue mobility, and thermodynamic stability) indicates that this missense variant is not expected to disrupt ATM protein function with a negative predictive value of 95%. In summary, the available evidence is currently insufficient to determine the role of this variant in disease. Therefore, it has been classified as a Variant of Uncertain Significance.

Color Diagnostics, LLC DBA Color Health
Classification: Uncertain significance for Hereditary cancer-predisposing syndrome. Last evaluated: 2024-12-11. Review status: criteria provided, single submitter. Criteria: ACMG Guidelines, 2015. Collection method: clinical testing. Allele origin: germline.
Comment: This missense variant replaces arginine with histidine at codon 692 of the ATM protein. Computational prediction suggests that this variant may not impact protein structure and function. To our knowledge, functional studies have not been reported for this variant. In an international breast cancer case-control meta-analysis, this variant was detected in 1/60466 cases and absent in 53461 unaffected controls (PMID: 33471991). This variant has been identified in 2/282664 chromosomes in the general population by the Genome Aggregation Database (gnomAD). The available evidence is insufficient to determine the role of this variant in disease conclusively. Therefore, this variant is classified as a Variant of Uncertain Significance.

Ambry Genetics
Classification: Likely benign for Hereditary cancer-predisposing syndrome. Last evaluated: 2023-12-09. Review status: criteria provided, single submitter. Criteria: Ambry Variant Classification Scheme 2023. Collection method: clinical testing. Allele origin: germline.

KCCC/NGS Laboratory, Kuwait Cancer Control Center
Classification: Uncertain significance for Familial cancer of breast. Last evaluated: 2023-10-24. Review status: criteria provided, single submitter. Criteria: ACMG Guidelines, 2015. Collection method: clinical testing. Allele origin: germline. Inheritance: Autosomal dominant inheritance. Affected: yes. Observed: 1 heterozygote.
Comment: This sequence change replaces arginine, which is basic and polar, with histidine, which is basic and polar, at codon 692 of the ATM protein (p.Arg692His). This variant is not present in population databases (gnomAD no frequency).This variant was reported in 1/60,466 breast cancer cases and in 0/53,461 controls (Dorling et al. N Engl J Med. 2021 02;384:428-439). ClinVar contains an entry for this variant (Variation ID: 236682). This amino acid position is not well conserved (PhyloP=-0.1) . In addition, this alteration is predicted to be tolerated by in silico analysis. In summary, the available evidence is currently insufficient to determine the role of this variant in disease. Therefore, it has been classified as a Variant of Uncertain Significance

Revvity Omics, Revvity
Classification: Uncertain significance for Ataxia-telangiectasia syndrome. Last evaluated: 2023-06-19. Review status: criteria provided, single submitter. Criteria: ACMG Guidelines, 2015. Collection method: clinical testing. Allele origin: germline.

Natera, Inc.
Classification: Uncertain significance for Ataxia-telangiectasia. Last evaluated: 2021-08-30. Review status: no assertion criteria provided. Collection method: clinical testing. Allele origin: germline. Not counted in ClinVar's aggregate classification.

Literature cited by the submitters: PubMed 33471991 (cited by Color Diagnostics, LLC DBA Color Health and Ambry Genetics).

NM_000051.4(ATM):c.2075G>A (p.Arg692His)

Gene: ATM (ATM serine/threonine kinase; plus strand). Cytogenetic location: 11q22.3.
Variant type: single nucleotide variant.
Coding change: c.2075G>A on transcript NM_000051.4 (MANE Select); coding-DNA position 2075, G replaced by A.
Protein change: p.Arg692His; replaces arginine 692 with histidine.
Molecular consequence: missense variant.
Genome position (GRCh38, 1-based): chr11:108,253,990, G>A. VCF-style: chr11-108253990-G-A. GRCh37 (hg19) VCF-style: chr11-108124717-G-A.
Other names: c.2075G>A, p.Arg692His (NM_001351834.2); short protein forms R692H.
Identifiers: ClinVar variation 236682 (VCV000236682.20), dbSNP rs751515818, ClinGen allele CA6264924.
Genomic context (GRCh38, chr11:108,253,990, plus strand): 5'-AAAAGCACCAGTCCAGTATTGGCTTCTCTGTCCACCAGAATCTCAAGGAATCACTGGATC[G>A]CTGTCTTCTGGGATTATCAGAACAGCTTCTGAATAATTACTCATCTGAGGTGAGATTTTT-3'
Protein context (NP_000042.3, residues 682-702): VHQNLKESLD[Arg692His]CLLGLSEQLL